The following is an entry in ClinVar:

NM_015909.4(NBAS):c.3384C>A (p.Cys1128Ter)

Gene: NBAS (NBAS subunit of NRZ tethering complex; minus strand). Cytogenetic location: 2p24.3.
Variant type: single nucleotide variant.
Coding change: c.3384C>A on transcript NM_015909.4 (MANE Select); coding-DNA position 3384, C replaced by A.
Protein change: p.Cys1128Ter; replaces cysteine 1128 with a stop codon.
Molecular consequence: nonsense. On other transcripts: non-coding transcript variant (1).
Genome position (GRCh38, 1-based): chr2:15,379,808, G>T on the plus strand (C>A on the coding strand, the complement: NBAS is on the minus strand). VCF-style: chr2-15379808-G-T. GRCh37 (hg19) VCF-style: chr2-15519932-G-T.
Other names: short protein forms C1128*.
Identifiers: ClinVar variation 4734538 (VCV004734538.1).
Genomic context (GRCh38, chr2:15,379,808, plus strand): 5'-TGAACAAGCACTGCAGTGCATCATCTGTCCAGCCAGGTGGATGTTTTCAAGGCGACTAGA[G>T]CACAGAAGGCTTTCTGTAAATATCTGGAAAAAAGGAGAAACTGGAATTAGTTATAGAGAG-3'

ClinVar aggregate classification (germline): Pathogenic (1 of 4 stars; one submission).

Submission:

Labcorp Genetics (formerly Invitae), Labcorp
Classification: Pathogenic. Last evaluated: 2025-12-31. Review status: criteria provided, single submitter. Criteria: Invitae Variant Classification Sherloc (09022015). Collection method: clinical testing. Allele origin: germline.
Comment: This sequence change creates a premature translational stop signal (p.Cys1128*) in the NBAS gene. It is expected to result in an absent or disrupted protein product. Loss-of-function variants in NBAS are known to be pathogenic (PMID: 26073778, 26541327, 27789416, 28031453). This variant is not present in population databases (gnomAD no frequency). This variant has not been reported in the literature in individuals affected with NBAS-related conditions. For these reasons, this variant has been classified as Pathogenic.

Literature cited by the submitters: PubMed 26073778; PubMed 26541327; PubMed 27789416; PubMed 28031453.